The following is an entry in ClinVar:

ClinVar aggregate classification (germline): VUS-high (1 of 4 stars; one submission).

Conditions:
Alkuraya-Kucinskas syndrome. Identifiers: Orphanet 610569, MedGen C4693347, MONDO:0060631, OMIM 617822.

Submission:

Solve-RD Consortium
Classification: VUS-high for Alkuraya-Kucinskas syndrome. Review status: criteria provided, single submitter. Criteria: ACMG Guidelines, 2015. Collection method: provider interpretation. Allele origin: germline. Inheritance: Autosomal recessive inheritance. Affected: yes. Study: Solve-RD DIFT-EpiCARE reanalysis.
Comment: PM3, PM2, PP3

Variant identified during reanalysis of unsolved cases by the Solve-RD project. The Solve-RD project has received funding from the European Union’s Horizon 2020 research and innovation programme under grant agreement No 779257.

NM_001384125.1(BLTP1):c.2870A>C (p.Lys957Thr)

Gene: BLTP1 (bridge-like lipid transfer protein family member 1; plus strand). Cytogenetic location: 4q27.
Variant type: single nucleotide variant.
Coding change: c.2870A>C on transcript NM_001384125.1 (MANE Select); coding-DNA position 2870, A replaced by C.
Protein change: p.Lys957Thr; replaces lysine 957 with threonine.
Molecular consequence: missense variant.
Genome position (GRCh38, 1-based): chr4:122,226,783, A>C. VCF-style: chr4-122226783-A-C. GRCh37 (hg19) VCF-style: chr4-123147938-A-C.
Other names: c.2870A>C, p.Lys957Thr (NM_015312.4); short protein forms K957T.
Identifiers: ClinVar variation 4890783 (VCV004890783.1).